The following is an entry in ClinVar:

NM_000238.4(KCNH2):c.3099dup (p.Pro1034fs)

Gene: KCNH2 (potassium voltage-gated channel subfamily H member 2; minus strand). Cytogenetic location: 7q36.1.
Variant type: Duplication.
Coding change: c.3099dup on transcript NM_000238.4 (MANE Select); coding-DNA position 3099, one base duplicated (G; older notation c.3099dupG).
Protein change: p.Pro1034fs; shifts the reading frame from proline 1034.
Molecular consequence: frameshift variant.
Genome position (GRCh38, 1-based): chr7:150,947,381, C duplicated on the plus strand (G on the coding strand, the reverse complement: KCNH2 is on the minus strand); the first of 2 consecutive C bases (chr7:150,947,381-150,947,382); duplicating either gives the same sequence. VCF-style (leftmost placement, unchanged base first): chr7-150947380-G-GC. GRCh37 (hg19) VCF-style: chr7-150644468-G-GC.
Other names: c.2810dup, p.Pro938Alafs (NM_001406753.1); c.2079dup, p.Pro694fs (NM_172057.3); c.3099dupG (NM_000238.3); short protein forms P1034fs, P694fs.
Identifiers: ClinVar variation 1804945 (VCV001804945.4), dbSNP rs1057517743, ClinGen allele CA1139771242.

ClinVar aggregate classification (germline): Pathogenic. Review status: criteria provided, multiple submitters, no conflicts (2 of 4 stars). 2 submissions from 2 submitters: Pathogenic (2). Last evaluated 2023-06-18.

Conditions:
Long QT syndrome (LQTS). Identifiers: MedGen C0023976, MeSH D008133, MONDO:0002442. Disease mechanism: loss of function. Inheritance: Various modes of inheritance.
Long QT syndrome 2 (LQT2). Identifiers: Orphanet 101016, Orphanet 768, MedGen C3150943, MONDO:0013367, OMIM 613688.

Submissions (2):

Labcorp Genetics (formerly Invitae), Labcorp
Classification: Pathogenic for Long QT syndrome. Last evaluated: 2023-06-18. Review status: criteria provided, single submitter. Criteria: Invitae Variant Classification Sherloc (09022015). Collection method: clinical testing. Allele origin: germline.
Comment: For these reasons, this variant has been classified as Pathogenic. ClinVar contains an entry for this variant (Variation ID: 1804945). This premature translational stop signal has been observed in individual(s) with clinical features of long QT syndrome (PMID: 31737537; Invitae). This variant is not present in population databases (gnomAD no frequency). This sequence change creates a premature translational stop signal (p.Pro1034Alafs*85) in the KCNH2 gene. It is expected to result in an absent or disrupted protein product. Loss-of-function variants in KCNH2 are known to be pathogenic (PMID: 10973849, 19862833).

Victorian Clinical Genetics Services, Murdoch Childrens Research Institute
Classification: Pathogenic for Long QT syndrome 2. Last evaluated: 2021-05-06. Review status: criteria provided, single submitter. Criteria: ACMG Guidelines, 2015. Collection method: clinical testing. Allele origin: germline. Inheritance: Autosomal dominant inheritance.
Comment: Based on the classification scheme VCGS_Germline_v1.3.4, this variant is classified as Pathogenic. Following criteria are met: 0103 - Dominant negative and loss of function are known mechanisms of disease in this gene and are associated with Long QT syndrome 2 (MIM#613688). Gain of function is also a known mechanism associated with Short QT syndrome 1 (MIM#609620) (OMIM, PMID: 10753933; PMID: 21777565). (I) 0107 - This gene is associated with autosomal dominant disease. (I) 0112 - The condition associated with this gene has incomplete penetrance (PMID: 20301308). (I) 0201 - Variant is predicted to cause nonsense-mediated decay (NMD) and loss of protein (premature termination codon is located at least 54 nucleotides upstream of the final exon-exon junction). (SP) 0251 - This variant is heterozygous. (I) 0301 - Variant is absent from gnomAD (both v2 and v3). (SP) 0701 - Other NMD predicted variants comparable to the one identified in this case have very strong previous evidence for pathogenicity (ClinVar). (SP) 0807 - This variant has no previous evidence of pathogenicity. (I) 0905 - No published segregation evidence has been identified for this variant. (I) 1007 - No published functional evidence has been identified for this variant. (SP) Legend: (SP) - Supporting pathogenic, (I) - Information, (SB) - Supporting benign

Literature cited by the submitters: PubMed 31737537 (cited by Labcorp Genetics (formerly Invitae), Labcorp); PubMed 10973849 (cited by Labcorp Genetics (formerly Invitae), Labcorp); PubMed 19862833 (cited by Labcorp Genetics (formerly Invitae), Labcorp); PubMed 10753933 (cited by Victorian Clinical Genetics Services, Murdoch Childrens Research Institute); PubMed 20301308 (cited by Victorian Clinical Genetics Services, Murdoch Childrens Research Institute); PubMed 21777565 (cited by Victorian Clinical Genetics Services, Murdoch Childrens Research Institute).